The following is an entry in ClinVar:

NM_001040108.2(MLH3):c.41G>C (p.Arg14Pro)

Gene: MLH3 (mutL homolog 3; minus strand). Cytogenetic location: 14q24.3.
Variant type: single nucleotide variant.
Coding change: c.41G>C on transcript NM_001040108.2 (MANE Select); coding-DNA position 41, G replaced by C.
Protein change: p.Arg14Pro; replaces arginine 14 with proline.
Molecular consequence: missense variant.
Genome position (GRCh38, 1-based): chr14:75,049,615, C>G on the plus strand (G>C on the coding strand, the complement: MLH3 is on the minus strand). VCF-style: chr14-75049615-C-G. GRCh37 (hg19) VCF-style: chr14-75516318-C-G.
Other names: c.41G>C, p.Arg14Pro (NM_014381.3); short protein forms R14P.
Identifiers: ClinVar variation 1738647 (VCV001738647.2), dbSNP rs760072474, ClinGen allele CA390451874.
Genomic context (GRCh38, chr14:75,049,615, plus strand): 5'-ATACTGTTGAGGGCAAGTTCCTCAACACATTGGCCCAAGGAGCTTATGGCCAAACCAGAA[C>G]GCAATTTGGCTTGTACTTCAACTGACAAGCACTTGATCATGGTAGGTAGAAAGATGGTGA-3'
Protein context (NP_001035197.1, residues 4-24): CLSVEVQAKL[Arg14Pro]SGLAISSLGQ

ClinVar aggregate classification (germline): Uncertain significance (1 of 4 stars; one submission).

Submission:

Ambry Genetics
Classification: Uncertain significance. Last evaluated: 2021-06-23. Review status: criteria provided, single submitter. Criteria: Ambry Variant Classification Scheme 2023. Collection method: clinical testing. Allele origin: germline.
Comment: The p.R14P variant (also known as c.41G>C), located in coding exon 1 of the MLH3 gene, results from a G to C substitution at nucleotide position 41. The arginine at codon 14 is replaced by proline, an amino acid with dissimilar properties. This amino acid position is conserved. In addition, this alteration is predicted to be deleterious by in silico analysis. Since supporting evidence is limited at this time, the clinical significance of this alteration remains unclear.